The following is an entry in ClinVar:

ClinVar aggregate classification (germline): Uncertain significance. Review status: criteria provided, multiple submitters, no conflicts (2 of 4 stars). 2 submissions from 2 submitters: Uncertain significance (2). Last evaluated 2026-03-30.

Conditions:
NEFH-related disorder. Also called: NEFH-related condition.

Submissions (2):

PreventionGenetics, part of Exact Sciences
Classification: Uncertain significance for NEFH-related condition. Last evaluated: 2026-03-30. Review status: criteria provided, single submitter. Criteria: ACMG Guidelines, 2015. Collection method: clinical testing. Allele origin: germline.
Comment: The NEFH c.1454A>C variant is predicted to result in the amino acid substitution p.Glu485Ala. To our knowledge, this variant has not been reported in the literature. This variant is reported in 0.0062% of alleles in individuals of African descent in gnomAD. At this time, the clinical significance of this variant is uncertain due to the absence of conclusive functional and genetic evidence.

Labcorp Genetics (formerly Invitae), Labcorp
Classification: Uncertain significance. Last evaluated: 2025-12-23. Review status: criteria provided, single submitter. Criteria: Invitae Variant Classification Sherloc (09022015). Collection method: clinical testing. Allele origin: germline.
Comment: This sequence change replaces glutamic acid, which is acidic and polar, with alanine, which is neutral and non-polar, at codon 485 of the NEFH protein (p.Glu485Ala). This variant is present in population databases (rs191130087, gnomAD 0.007%). This variant has not been reported in the literature in individuals affected with NEFH-related conditions. Invitae Evidence Modeling of protein sequence and biophysical properties (such as structural, functional, and spatial information, amino acid conservation, physicochemical variation, residue mobility, and thermodynamic stability) indicates that this missense variant is not expected to disrupt NEFH protein function with a negative predictive value of 95%. In summary, the available evidence is currently insufficient to determine the role of this variant in disease. Therefore, it has been classified as a Variant of Uncertain Significance.

NM_021076.4(NEFH):c.1454A>C (p.Glu485Ala)

Gene: NEFH (neurofilament heavy chain; plus strand). Cytogenetic location: 22q12.2.
Variant type: single nucleotide variant.
Coding change: c.1454A>C on transcript NM_021076.4 (MANE Select); coding-DNA position 1454, A replaced by C.
Protein change: p.Glu485Ala; replaces glutamic acid 485 with alanine.
Molecular consequence: missense variant.
Genome position (GRCh38, 1-based): chr22:29,489,094, A>C. VCF-style: chr22-29489094-A-C. GRCh37 (hg19) VCF-style: chr22-29885083-A-C.
Other names: c.1454A>C (NM_021076.3); short protein forms E485A.
Identifiers: ClinVar variation 4772328 (VCV004772328.2).